The following is an entry in ClinVar:

ClinVar aggregate classification (germline): Uncertain significance (1 of 4 stars; one submission).

Conditions:
Joubert syndrome 15 (JBTS15). Identifiers: Orphanet 475, MedGen C3280897, MONDO:0013763, OMIM 614464.

Allele frequency attached by ClinVar (database versions not stated): gnomAD exomes below 0.00001; gnomAD 0.00001.
gnomAD v4.1: 6 of 1,521,390 alleles (0.00039%); highest among the groups gnomAD compares: Non-Finnish European, 0.00055%; no homozygotes.

Submission:

Labcorp Genetics (formerly Invitae), Labcorp
Classification: Uncertain significance for Joubert syndrome 15. Last evaluated: 2021-05-27. Review status: criteria provided, single submitter. Criteria: Invitae Variant Classification Sherloc (09022015). Collection method: clinical testing. Allele origin: germline.
Comment: In summary, the available evidence is currently insufficient to determine the role of this variant in disease. Therefore, it has been classified as a Variant of Uncertain Significance. Algorithms developed to predict the effect of missense changes on protein structure and function are either unavailable or do not agree on the potential impact of this missense change (SIFT: "Deleterious"; PolyPhen-2: "Benign"; Align-GVGD: "Class C0"). This variant has not been reported in the literature in individuals with CEP41-related conditions. This variant is not present in population databases (ExAC no frequency). This sequence change replaces lysine with glutamic acid at codon 53 of the CEP41 protein (p.Lys53Glu). The lysine residue is moderately conserved and there is a small physicochemical difference between lysine and glutamic acid.

NM_018718.3(CEP41):c.157A>G (p.Lys53Glu)

Gene: CEP41 (centrosomal protein 41; minus strand). Cytogenetic location: 7q32.2.
Variant type: single nucleotide variant.
Coding change: c.157A>G on transcript NM_018718.3 (MANE Select); coding-DNA position 157, A replaced by G.
Protein change: p.Lys53Glu; replaces lysine 53 with glutamic acid.
Molecular consequence: missense variant. On other transcripts: non-coding transcript variant (1).
Genome position (GRCh38, 1-based): chr7:130,412,229, T>C on the plus strand (A>G on the coding strand, the complement: CEP41 is on the minus strand). VCF-style: chr7-130412229-T-C. GRCh37 (hg19) VCF-style: chr7-130052070-T-C.
Other names: c.157A>G, p.Lys53Glu (NM_001257158.2); c.109A>G, p.Lys37Glu (NM_001257159.2); short protein forms K37E, K53E.
Identifiers: ClinVar variation 1512081 (VCV001512081.8), dbSNP rs1554419921, ClinGen allele CA369290803.